The following is an entry in ClinVar:

NM_001349253.2(SCN11A):c.3623T>C (p.Ile1208Thr)

Genes: SCN11A (sodium voltage-gated channel alpha subunit 11; minus strand), LOC126806652 (CDK7 strongly-dependent group 2 enhancer GRCh37_chr3:38912374-38913573; plus strand). Cytogenetic location: 3p22.2.
Variant type: single nucleotide variant.
Coding change: c.3623T>C on transcript NM_001349253.2 (MANE Select); coding-DNA position 3623, T replaced by C.
Protein change: p.Ile1208Thr; replaces isoleucine 1208 with threonine.
Molecular consequence: missense variant.
Genome position (GRCh38, 1-based): chr3:38,871,581, A>G on the plus strand (T>C on the coding strand, the complement: SCN11A is on the minus strand). VCF-style: chr3-38871581-A-G. GRCh37 (hg19) VCF-style: chr3-38913072-A-G.
Other names: c.3623T>C, p.Ile1208Thr (NM_014139.3); short protein forms I1208T.
Identifiers: ClinVar variation 4085904 (VCV004085904.8).

ClinVar aggregate classification (germline): Uncertain significance (1 of 4 stars; one submission).

Submission:

CeGaT Center for Human Genetics Tuebingen
Classification: Uncertain significance. Last evaluated: 2025-08-01. Review status: criteria provided, single submitter. Criteria: CeGaT Center For Human Genetics Tuebingen Variant Classification Criteria Version 2. Collection method: clinical testing. Allele origin: germline. Affected: yes. Observed: 1 variant allele.
Comment: SCN11A: PM2, PP2